The following is an entry in ClinVar:

NM_015559.3(SETBP1):c.473A>G (p.His158Arg)

Gene: SETBP1 (SET binding protein 1; plus strand). Cytogenetic location: 18q12.3.
Variant type: single nucleotide variant.
Coding change: c.473A>G on transcript NM_015559.3 (MANE Select); coding-DNA position 473, A replaced by G.
Protein change: p.His158Arg; replaces histidine 158 with arginine.
Molecular consequence: missense variant.
Genome position (GRCh38, 1-based): chr18:44,701,819, A>G. VCF-style: chr18-44701819-A-G. GRCh37 (hg19) VCF-style: chr18-42281784-A-G.
Other names: c.473A>G, p.His158Arg (NM_001130110.2, NM_001379141.1, NM_001379142.1 and 1 more transcripts); short protein forms H158R.
Identifiers: ClinVar variation 4732153 (VCV004732153.1).

ClinVar aggregate classification (germline): Uncertain significance (1 of 4 stars; one submission).

Submission:

Labcorp Genetics (formerly Invitae), Labcorp
Classification: Uncertain significance. Last evaluated: 2025-12-10. Review status: criteria provided, single submitter. Criteria: Invitae Variant Classification Sherloc (09022015). Collection method: clinical testing. Allele origin: germline.
Comment: This sequence change replaces histidine, which is basic and polar, with arginine, which is basic and polar, at codon 158 of the SETBP1 protein (p.His158Arg). This variant is not present in population databases (gnomAD no frequency). This variant has not been reported in the literature in individuals affected with SETBP1-related conditions. An algorithm developed to predict the effect of missense changes on protein structure and function (PolyPhen-2) suggests that this variant is likely to be disruptive. In summary, the available evidence is currently insufficient to determine the role of this variant in disease. Therefore, it has been classified as a Variant of Uncertain Significance.